The following is an entry in ClinVar:

NM_003579.4(RAD54L):c.38G>A (p.Arg13Lys)

Gene: RAD54L (RAD54 like; plus strand). Cytogenetic location: 1p34.1.
Variant type: single nucleotide variant.
Coding change: c.38G>A on transcript NM_003579.4 (MANE Select); coding-DNA position 38, G replaced by A.
Protein change: p.Arg13Lys; replaces arginine 13 with lysine.
Molecular consequence: missense variant. On other transcripts: 5 prime UTR variant (1).
Genome position (GRCh38, 1-based): chr1:46,248,546, G>A. VCF-style: chr1-46248546-G-A. GRCh37 (hg19) VCF-style: chr1-46714218-G-A.
Other names: c.38G>A, p.Arg13Lys (NM_001142548.2); c.-503G>A (NM_001370766.1); short protein forms R13K.
Identifiers: ClinVar variation 1736002 (VCV001736002.3), dbSNP rs1659713087, ClinGen allele CA340174163.
Genomic context (GRCh38, chr1:46,248,546, plus strand): 5'-GCACTGTTTCTGTTCTCCCTTTACAGAGGAGGAGCTTGGCTCCCAGCCAGCTGGCCAAGA[G>A]AAAACCTGAAGGCAGGTCCTGTGATGATGAAGACTGGCAACCTGGCCTAGTGGTGAGCAC-3'
Protein context (NP_003570.2, residues 3-23): RSLAPSQLAK[Arg13Lys]KPEGRSCDDE

ClinVar aggregate classification (germline): Uncertain significance (1 of 4 stars; one submission).

gnomAD v4.1: 2 of 1,614,194 alleles (0.00012%); highest among the groups gnomAD compares: Non-Finnish European, 0.00017%; no homozygotes.

Submission:

Ambry Genetics
Classification: Uncertain significance. Last evaluated: 2024-05-17. Review status: criteria provided, single submitter. Criteria: Ambry Variant Classification Scheme 2023. Collection method: clinical testing. Allele origin: germline.
Comment: The p.R13K variant (also known as c.38G>A), located in coding exon 2 of the RAD54L gene, results from a G to A substitution at nucleotide position 38. The arginine at codon 13 is replaced by lysine, an amino acid with highly similar properties. This amino acid position is conserved. In addition, the in silico prediction for this alteration is inconclusive. Since supporting evidence is limited at this time, the clinical significance of this alteration remains unclear.